The following is an entry in ClinVar:

ClinVar aggregate classification (germline): Conflicting classifications of pathogenicity. Review status: criteria provided, conflicting classifications (1 of 4 stars). 5 submissions from 5 submitters: Uncertain significance (3); Likely benign (1). 1 of the submissions does not count toward it. Last evaluated 2026-01-26.

Conditions:
ANO6-related disorder. Also called: ANO6-related condition.

Allele frequency attached by ClinVar (database versions not stated): ESP Exome Variant Server 0.00015; gnomAD 0.00022; TOPMed 0.00031; 1000 Genomes Project 0.00040; gnomAD exomes 0.00045; 1000 Genomes Project 30x 0.00047; ExAC 0.00085.
gnomAD v4.1: 694 of 1,614,194 alleles (0.043%); highest among the groups gnomAD compares: South Asian, 0.3%; 1 homozygote.

Submissions (5):

Labcorp Genetics (formerly Invitae), Labcorp
Classification: Likely benign. Last evaluated: 2026-01-26. Review status: criteria provided, single submitter. Criteria: Invitae Variant Classification Sherloc (09022015). Collection method: clinical testing. Allele origin: germline.

Mayo Clinic Laboratories, Mayo Clinic
Classification: Uncertain significance. Last evaluated: 2025-01-10. Review status: criteria provided, single submitter. Criteria: ACMG Guidelines, 2015. Collection method: clinical testing. Allele origin: germline. Observed: 1 variant allele.
Comment: BS1_supporting, PP3

Blueprint Genetics
Classification: Uncertain significance. Last evaluated: 2024-09-30. Review status: criteria provided, single submitter. Criteria: ACMG Guidelines, 2015. Collection method: clinical testing. Allele origin: germline.

Women's Health and Genetics/Laboratory Corporation of America, LabCorp
Classification: Uncertain significance. Last evaluated: 2024-03-05. Review status: criteria provided, single submitter. Criteria: LabCorp Variant Classification Summary - May 2015. Collection method: clinical testing. Allele origin: germline.
Comment: Variant summary: ANO6 c.2338C>A (p.Leu780Ile) results in a conservative amino acid change located in the Anoctamin, transmembrane domain (IPR049452) of the encoded protein sequence. Four of five in-silico tools predict a damaging effect of the variant on protein function. The variant allele was found at a frequency of 0.00074 in 251308 control chromosomes in the gnomAD database, including 1 homozygote. To our knowledge, no occurrence of c.2338C>A in individuals affected with Scott Syndrome and no experimental evidence demonstrating its impact on protein function have been reported. ClinVar contains an entry for this variant (Variation ID: 2039428). Based on the evidence outlined above, the variant was classified as uncertain significance.

PreventionGenetics, part of Exact Sciences
Classification: Likely benign for ANO6-related condition. Last evaluated: 2024-01-16. Review status: no assertion criteria provided. Collection method: clinical testing. Allele origin: germline. Not counted in ClinVar's aggregate classification.
Comment: This variant is classified as likely benign based on ACMG/AMP sequence variant interpretation guidelines (Richards et al. 2015 PMID: 25741868, with internal and published modifications).

NM_001025356.3(ANO6):c.2338C>A (p.Leu780Ile)

Gene: ANO6 (anoctamin 6; plus strand). Cytogenetic location: 12q12.
Variant type: single nucleotide variant.
Coding change: c.2338C>A on transcript NM_001025356.3 (MANE Select); coding-DNA position 2338, C replaced by A.
Protein change: p.Leu780Ile; replaces leucine 780 with isoleucine.
Molecular consequence: missense variant.
Genome position (GRCh38, 1-based): chr12:45,421,191, C>A. VCF-style: chr12-45421191-C-A. GRCh37 (hg19) VCF-style: chr12-45814974-C-A.
Other names: p.Leu780Ile; c.2338C>A (NM_001025356.2); c.2284C>A, p.Leu762Ile (NM_001142678.2); c.2338C>A, p.Leu780Ile (NM_001142679.2); c.2401C>A, p.Leu801Ile (NM_001204803.2); c.2305C>A, p.Leu769Ile (NM_001410973.1); short protein forms L762I, L801I, L769I, L780I.
Identifiers: ClinVar variation 2039428 (VCV002039428.10), dbSNP rs137945983, ClinGen allele CA6525587.